The following is an entry in ClinVar:

NM_004655.4(AXIN2):c.1821G>T (p.Gln607His)

Gene: AXIN2 (axin 2; minus strand). Cytogenetic location: 17q24.1.
Variant type: single nucleotide variant.
Coding change: c.1821G>T on transcript NM_004655.4 (MANE Select); coding-DNA position 1821, G replaced by T.
Protein change: p.Gln607His; replaces glutamine 607 with histidine.
Molecular consequence: missense variant. On other transcripts: intron variant (1).
Genome position (GRCh38, 1-based): chr17:65,536,955, C>A on the plus strand (G>T on the coding strand, the complement: AXIN2 is on the minus strand). VCF-style: chr17-65536955-C-A. GRCh37 (hg19) VCF-style: chr17-63533073-C-A.
Other names: c.1712+369G>T (NM_001363813.1); short protein forms Q607H.
Identifiers: ClinVar variation 2839345 (VCV002839345.3), dbSNP rs1242108165, ClinGen allele CA400676559.

ClinVar aggregate classification (germline): Uncertain significance (1 of 4 stars; one submission).

Conditions:
Oligodontia-cancer predisposition syndrome. Also called: TOOTH AGENESIS-COLORECTAL CANCER SYNDROME. Identifiers: Orphanet 300576, MedGen C1837750, MONDO:0012075, OMIM 608615. Disease mechanism: loss of function.

Submission:

Labcorp Genetics (formerly Invitae), Labcorp
Classification: Uncertain significance for Oligodontia-cancer predisposition syndrome. Last evaluated: 2025-12-10. Review status: criteria provided, single submitter. Criteria: Invitae Variant Classification Sherloc (09022015). Collection method: clinical testing. Allele origin: germline.
Comment: This sequence change replaces glutamine, which is neutral and polar, with histidine, which is basic and polar, at codon 607 of the AXIN2 protein (p.Gln607His). This variant is not present in population databases (gnomAD no frequency). This variant has not been reported in the literature in individuals affected with AXIN2-related conditions. ClinVar contains an entry for this variant (Variation ID: 2839345). An algorithm developed to predict the effect of missense changes on protein structure and function (PolyPhen-2) suggests that this variant is likely to be disruptive. In summary, the available evidence is currently insufficient to determine the role of this variant in disease. Therefore, it has been classified as a Variant of Uncertain Significance.